The following is an entry in ClinVar:

NM_001042750.2(STAG2):c.2314T>A (p.Cys772Ser)

Gene: STAG2 (STAG2 cohesin complex component; plus strand). Cytogenetic location: Xq25.
Variant type: single nucleotide variant.
Coding change: c.2314T>A on transcript NM_001042750.2 (MANE Select); coding-DNA position 2314, T replaced by A.
Protein change: p.Cys772Ser; replaces cysteine 772 with serine.
Molecular consequence: missense variant.
Genome position (GRCh38, 1-based): chrX:124,068,612, T>A. VCF-style: chrX-124068612-T-A. GRCh37 (hg19) VCF-style: chrX-123202462-T-A.
Other names: c.2314T>A (NM_001042749.1); c.2314T>A, p.Cys772Ser (NM_001042749.2, NM_001042751.2, NM_001282418.2 and 13 more transcripts); short protein forms C772S.
Identifiers: ClinVar variation 1707100 (VCV001707100.8), dbSNP rs762388218, ClinGen allele CA414275150.

ClinVar aggregate classification (germline): Uncertain significance. Review status: criteria provided, multiple submitters, no conflicts (2 of 4 stars). 3 submissions from 3 submitters: Uncertain significance (3). Last evaluated 2026-09-02.

Conditions:
Inborn genetic diseases. Identifiers: MedGen C0950123, MeSH D030342.

Allele frequency attached by ClinVar (database versions not stated): gnomAD 0.00003; TOPMed 0.00001; gnomAD exomes below 0.00001.
gnomAD v4.1: 4 of 1,194,730 alleles (0.00033%); highest among the groups gnomAD compares: African/African-American, 0.0071%; no homozygotes.

Submissions (3):

Ambry Genetics
Classification: Uncertain significance for Inborn genetic diseases. Last evaluated: 2026-09-02. Review status: criteria provided, single submitter. Criteria: Ambry Variant Classification Scheme 2023. Collection method: clinical testing. Allele origin: germline.
Comment: The c.2314T>A (p.C772S) alteration is located in exon 24 (coding exon 22) of the STAG2 gene. This alteration results from a T to A substitution at nucleotide position 2314, causing the cysteine (C) at amino acid position 772 to be replaced by a serine (S). Based on data from gnomAD, the A allele has an overall frequency of 0.005% (1/21835) total alleles studied. The highest observed frequency was 0.017% (1/5952) of African alleles. Based on insufficient or conflicting evidence, the clinical significance of this alteration remains unclear.

Labcorp Genetics (formerly Invitae), Labcorp
Classification: Uncertain significance. Last evaluated: 2023-09-22. Review status: criteria provided, single submitter. Criteria: Invitae Variant Classification Sherloc (09022015). Collection method: clinical testing. Allele origin: germline.
Comment: In summary, the available evidence is currently insufficient to determine the role of this variant in disease. Therefore, it has been classified as a Variant of Uncertain Significance. Advanced modeling of protein sequence and biophysical properties (such as structural, functional, and spatial information, amino acid conservation, physicochemical variation, residue mobility, and thermodynamic stability) performed at Invitae indicates that this missense variant is not expected to disrupt STAG2 protein function. ClinVar contains an entry for this variant (Variation ID: 1707100). This variant has not been reported in the literature in individuals affected with STAG2-related conditions. This variant is present in population databases (no rsID available, gnomAD 0.02%). This sequence change replaces cysteine, which is neutral and slightly polar, with serine, which is neutral and polar, at codon 772 of the STAG2 protein (p.Cys772Ser).

GeneDx
Classification: Uncertain significance. Last evaluated: 2022-03-25. Review status: criteria provided, single submitter. Criteria: GeneDx Variant Classification Process June 2021. Collection method: clinical testing. Allele origin: germline. Affected: yes.
Comment: Not observed at significant frequency in large population cohorts (gnomAD); In silico analysis supports that this missense variant has a deleterious effect on protein structure/function; Has not been previously published as pathogenic or benign to our knowledge